The following is an entry in ClinVar:

ClinVar aggregate classification (germline): Uncertain significance (1 of 4 stars; one submission).

Conditions:
Pityriasis rubra pilaris (PRP). Also called: Pityriasis rubra pilaris--familial type. Identifiers: Orphanet 2897, MedGen C0032027, MONDO:0100017, OMIM 173200, MONDO:0008251.
Psoriasis 2. Identifiers: MedGen C1864497, MONDO:0011269, OMIM 602723.

Submission:

Labcorp Genetics (formerly Invitae), Labcorp
Classification: Uncertain significance for Pityriasis rubra pilaris; Psoriasis 2. Last evaluated: 2023-07-17. Review status: criteria provided, single submitter. Criteria: Invitae Variant Classification Sherloc (09022015). Collection method: clinical testing. Allele origin: germline.
Comment: In summary, the available evidence is currently insufficient to determine the role of this variant in disease. Therefore, it has been classified as a Variant of Uncertain Significance. Advanced modeling of protein sequence and biophysical properties (such as structural, functional, and spatial information, amino acid conservation, physicochemical variation, residue mobility, and thermodynamic stability) has been performed at Invitae for this missense variant, however the output from this modeling did not meet the statistical confidence thresholds required to predict the impact of this variant on CARD14 protein function. This variant has not been reported in the literature in individuals affected with CARD14-related conditions. This variant is not present in population databases (gnomAD no frequency). This sequence change replaces serine, which is neutral and polar, with cysteine, which is neutral and slightly polar, at codon 926 of the CARD14 protein (p.Ser926Cys).

NM_001366385.1(CARD14):c.2777C>G (p.Ser926Cys)

Genes: CARD14 (caspase recruitment domain family member 14; plus strand), SGSH (N-sulfoglucosamine sulfohydrolase; minus strand). Cytogenetic location: 17q25.3.
Variant type: single nucleotide variant.
Coding change: c.2777C>G on transcript NM_001366385.1 (MANE Select); coding-DNA position 2777, C replaced by G.
Protein change: p.Ser926Cys; replaces serine 926 with cysteine.
Molecular consequence: missense variant. On other transcripts: non-coding transcript variant (1).
Genome position (GRCh38, 1-based): chr17:80,207,055, C>G. VCF-style: chr17-80207055-C-G. GRCh37 (hg19) VCF-style: chr17-78180854-C-G.
Other names: c.2777C>G, p.Ser926Cys (NM_024110.4); short protein forms S926C.
Identifiers: ClinVar variation 2948945 (VCV002948945.3), dbSNP rs2510799704, ClinGen allele CA401357040.